The following is an entry in ClinVar:

NM_013275.6(ANKRD11):c.4489A>T (p.Arg1497Trp)

Gene: ANKRD11 (ankyrin repeat domain 11; minus strand). Cytogenetic location: 16q24.3.
Variant type: single nucleotide variant.
Coding change: c.4489A>T on transcript NM_013275.6 (MANE Select); coding-DNA position 4489, A replaced by T.
Protein change: p.Arg1497Trp; replaces arginine 1497 with tryptophan.
Molecular consequence: missense variant.
Genome position (GRCh38, 1-based): chr16:89,282,053, T>A on the plus strand (A>T on the coding strand, the complement: ANKRD11 is on the minus strand). VCF-style: chr16-89282053-T-A. GRCh37 (hg19) VCF-style: chr16-89348461-T-A.
Other names: c.4489A>T, p.Arg1497Trp (NM_001256182.2, NM_001256183.2); short protein forms R1497W.
Identifiers: ClinVar variation 1806101 (VCV001806101.1), dbSNP rs2544232463, ClinGen allele CA397157468.

ClinVar aggregate classification (germline): Likely benign (1 of 4 stars; one submission).

Conditions:
KBG syndrome (KBGS). Also called: ANKRD11-Related KBG Syndrome. Identifiers: Orphanet 2332, MedGen C0220687, MONDO:0007846, OMIM 148050.

Submission:

Victorian Clinical Genetics Services, Murdoch Childrens Research Institute
Classification: Likely benign for KBG syndrome. Last evaluated: 2022-06-24. Review status: criteria provided, single submitter. Criteria: ACMG Guidelines, 2015. Collection method: clinical testing. Allele origin: germline. Inheritance: Autosomal dominant inheritance. Affected: yes.
Comment: Based on the classification scheme VCGS_Germline_v1.3.4, this variant is classified as Likely benign. Following criteria are met: 0102 - Loss-of-function is a known mechanism of disease and is associated with KBG syndrome (MIM#148050). (I) 0107 - This gene is known to be associated with autosomal dominant disease. (I) 0200 - Variant is predicted to result in a missense amino acid change from arginine to tryptophan. (I) 0251 - Variant is heterozygous. (I) 0301 - Variant is absent from gnomAD (both v2 and v3). (SP) 0502 - Missense variant with conflicting in silico predictions and uninformative conservation. (I) 0604 - Variant is not located in an established domain, motif, hotspot or informative constraint region. (I) 0705 - No comparable missense variants have previous evidence for pathogenicity. (I) 0807 - This variant has no previous evidence of pathogenicity. (I) 0905 - No published segregation evidence has been identified for this variant. (I) 1007 - No published functional evidence has been identified for this variant. (I) Legend: (SP) - Supporting pathogenic, (I) - Information, (SB) - Supporting benign